The following is an entry in ClinVar:

NM_023110.3(FGFR1):c.2073G>T (p.Trp691Cys)

Gene: FGFR1 (fibroblast growth factor receptor 1; minus strand). Cytogenetic location: 8p11.23.
Variant type: single nucleotide variant.
Coding change: c.2073G>T on transcript NM_023110.3 (MANE Select); coding-DNA position 2073, G replaced by T.
Protein change: p.Trp691Cys; replaces tryptophan 691 with cysteine.
Molecular consequence: missense variant.
Genome position (GRCh38, 1-based): chr8:38,414,265, C>A on the plus strand (G>T on the coding strand, the complement: FGFR1 is on the minus strand). VCF-style: chr8-38414265-C-A. GRCh37 (hg19) VCF-style: chr8-38271783-C-A.
Other names: c.2067G>T, p.Trp689Cys (NM_001174063.2, NM_001174065.2, NM_001354367.2 and 1 more transcripts); c.2043G>T, p.Trp681Cys (NM_001174064.2); c.1806G>T, p.Trp602Cys (NM_001174066.2, NM_023105.3); c.2166G>T, p.Trp722Cys (NM_001174067.2); c.1794G>T, p.Trp598Cys (NM_001354368.2); c.2061G>T, p.Trp687Cys (NM_001354369.2); c.1800G>T, p.Trp600Cys (NM_001354370.2, NM_023106.3); short protein forms W691C, W681C, W687C, W600C, W602C, W598C, W689C, W722C.
Identifiers: ClinVar variation 392572 (VCV000392572.3), dbSNP rs1057524546, ClinGen allele CA16605223.

ClinVar aggregate classification (germline): Conflicting classifications of pathogenicity. Review status: criteria provided, conflicting classifications (1 of 4 stars). 2 submissions from 2 submitters: Likely pathogenic (1); Uncertain significance (1). Last evaluated 2025-11-12.

Conditions:
Hypogonadotropic hypogonadism 2 with or without anosmia (HH2). Also called: FGFR1-Related GnRH Deficiency (Kallmann Syndrome 2); HYPOGONADOTROPIC HYPOGONADISM 2 WITHOUT ANOSMIA; HYPOGONADOTROPIC HYPOGONADISM 2 WITH OR WITHOUT ANOSMIA, SUSCEPTIBILITY TO; HYPOGONADOTROPIC HYPOGONADISM 2 WITHOUT ANOSMIA, SUSCEPTIBILITY TO. Identifiers: Orphanet 478, MedGen C1563720, MONDO:0007844, OMIM 147950. Disease mechanism: loss of function.
Pfeiffer syndrome (ACS5). Also called: ACS V. Identifiers: Orphanet 710, MedGen C0220658, MONDO:0007043, OMIM 101600.

Submissions (2):

Labcorp Genetics (formerly Invitae), Labcorp
Classification: Uncertain significance for Pfeiffer syndrome; Hypogonadotropic hypogonadism 2 with or without anosmia. Last evaluated: 2025-11-12. Review status: criteria provided, single submitter. Criteria: Invitae Variant Classification Sherloc (09022015). Collection method: clinical testing. Allele origin: germline.
Comment: This sequence change replaces tryptophan, which is neutral and slightly polar, with cysteine, which is neutral and slightly polar, at codon 691 of the FGFR1 protein (p.Trp691Cys). This variant is not present in population databases (gnomAD no frequency). This variant has not been reported in the literature in individuals affected with FGFR1-related conditions. ClinVar contains an entry for this variant (Variation ID: 392572). Invitae Evidence Modeling of protein sequence and biophysical properties (such as structural, functional, and spatial information, amino acid conservation, physicochemical variation, residue mobility, and thermodynamic stability) indicates that this missense variant is expected to disrupt FGFR1 protein function with a positive predictive value of 80%. In summary, the available evidence is currently insufficient to determine the role of this variant in disease. Therefore, it has been classified as a Variant of Uncertain Significance.

GeneDx
Classification: Likely pathogenic. Last evaluated: 2017-01-12. Review status: criteria provided, single submitter. Criteria: GeneDx Variant Classification (06012015). Collection method: clinical testing. Allele origin: germline. Affected: yes.
Comment: A novel W691C variant that is likely pathogenic was identified in the FGFR1 gene. It has not been published as a pathogenic variant, nor has it been reported as a benign variant to our knowledge. The variant was not observed in approximately 6,400 individuals of European and African American ancestry in the NHLBI Exome Sequencing Project, indicating it is not a common benign variant in these populations. W691C is a non-conservative amino acid substitution, which is likely to impact secondary protein structure as these residues differ in polarity, charge, size and/or other properties. This substitution occurs at a position within the protein kinase domain that is conserved across species, and in silico analysis predicts this variant is probably damaging to the protein structure/function. A variant at the same position (W691R) in a mouse model resulted in an affected phenotype, and functional studies from this same publication show that W691R has a deleterious effect on the protein function (Calvert et al., 2011). Missense variants in nearby residues (G687R, E692K/G, I693F) have been reported in the Human Gene Mutation Database in association with FGFR1-related disorders in humans (Stenson et al., 2014), supporting the functional importance of this region of the protein. Therefore, the W691C variant is likely pathogenic; however, the possibility that it is benign cannot be excluded.